The following is an entry in ClinVar:

ClinVar aggregate classification (germline): Likely pathogenic (1 of 4 stars; one submission).

Conditions:
Inflammatory bowel disease 25. Also called: Inflammatory bowel disease 25, early onset, autosomal recessive. Identifiers: Orphanet 238569, MedGen C2675508, MONDO:0012941, OMIM 612567.

Submission:

Baylor Genetics
Classification: Likely pathogenic for Inflammatory bowel disease 25. Last evaluated: 2019-12-05. Review status: criteria provided, single submitter. Criteria: ACMG Guidelines, 2015. Collection method: clinical testing. Allele origin: unknown. Affected: yes.
Comment: This variant was determined to be likely pathogenic according to ACMG Guidelines, 2015 [PMID:25741868].

NM_000628.5(IL10RB):c.331+1G>C

Genes: IFNAR2-IL10RB (IFNAR2-IL10RB readthrough; plus strand), IL10RB (interleukin 10 receptor subunit beta; plus strand). Cytogenetic location: 21q22.11.
Variant type: single nucleotide variant.
Coding change: c.331+1G>C on transcript NM_000628.5 (MANE Select); the canonical splice donor site of the intron after coding-DNA position 331, G replaced by C.
Molecular consequence: splice donor variant.
Genome position (GRCh38, 1-based): chr21:33,276,754, G>C. VCF-style: chr21-33276754-G-C. GRCh37 (hg19) VCF-style: chr21-34649059-G-C.
Other names: c.991+1G>C (NM_001414505.1); c.331+1G>C (NM_001405849.1, NM_001405850.1, NM_001406840.1).
Identifiers: ClinVar variation 1028850 (VCV001028850.1), dbSNP rs1989179205, ClinGen allele CA16021009.
Genomic context (GRCh38, chr21:33,276,754, plus strand): 5'-CTGAATTTGCAGATGAGCATTCAGACTGGGTAAACATCACCTTCTGTCCTGTGGATGACA[G>C]TAAGCCATTTTGTTTTCCCTTTTTTTGTAATGTCATCATCTTGCCTTGTTTTTTTCCACA-3'